The following is an entry in ClinVar:

ClinVar aggregate classification (germline): Uncertain significance (1 of 4 stars; one submission).

Submission:

Labcorp Genetics (formerly Invitae), Labcorp
Classification: Uncertain significance. Last evaluated: 2024-12-28. Review status: criteria provided, single submitter. Criteria: Invitae Variant Classification Sherloc (09022015). Collection method: clinical testing. Allele origin: germline.
Comment: This sequence change replaces alanine, which is neutral and non-polar, with threonine, which is neutral and polar, at codon 673 of the CLTC protein (p.Ala673Thr). This variant is not present in population databases (gnomAD no frequency). This variant has not been reported in the literature in individuals affected with CLTC-related conditions. Invitae Evidence Modeling of protein sequence and biophysical properties (such as structural, functional, and spatial information, amino acid conservation, physicochemical variation, residue mobility, and thermodynamic stability) indicates that this missense variant is not expected to disrupt CLTC protein function with a negative predictive value of 80%. In summary, the available evidence is currently insufficient to determine the role of this variant in disease. Therefore, it has been classified as a Variant of Uncertain Significance.

NM_004859.4(CLTC):c.2005G>A (p.Ala669Thr)

Gene: CLTC (clathrin heavy chain; plus strand). Cytogenetic location: 17q23.1.
Variant type: single nucleotide variant.
Coding change: c.2005G>A on transcript NM_004859.4 (MANE Select); coding-DNA position 2005, G replaced by A.
Protein change: p.Ala669Thr; replaces alanine 669 with threonine.
Molecular consequence: missense variant.
Genome position (GRCh38, 1-based): chr17:59,666,854, G>A. VCF-style: chr17-59666854-G-A. GRCh37 (hg19) VCF-style: chr17-57744215-G-A.
Other names: c.2017G>A, p.Ala673Thr (NM_001288653.2); short protein forms A669T, A673T.
Identifiers: ClinVar variation 3665747 (VCV003665747.2).